The following is an entry in ClinVar:

NM_001330691.3(CEP78):c.893-3T>G

Gene: CEP78 (centrosomal protein 78; plus strand). Cytogenetic location: 9q21.2.
Variant type: single nucleotide variant.
Coding change: c.893-3T>G on transcript NM_001330691.3 (MANE Select); 3 bases into the intron before coding-DNA position 893, T replaced by G.
Molecular consequence: intron variant.
Genome position (GRCh38, 1-based): chr9:78,248,288, T>G. VCF-style: chr9-78248288-T-G. GRCh37 (hg19) VCF-style: chr9-80863204-T-G.
Other names: c.893-3T>G (NM_001349839.2, NM_001349840.2, NM_001330693.3 and 4 more transcripts).
Identifiers: ClinVar variation 849048 (VCV000849048.7), dbSNP rs1826591267, ClinGen allele CA916083052.

ClinVar aggregate classification (germline): Uncertain significance (1 of 4 stars; one submission).

Submission:

Labcorp Genetics (formerly Invitae), Labcorp
Classification: Uncertain significance. Last evaluated: 2022-07-06. Review status: criteria provided, single submitter. Criteria: Invitae Variant Classification Sherloc (09022015). Collection method: clinical testing. Allele origin: germline.
Comment: This sequence change falls in intron 6 of the CEP78 gene. It does not directly change the encoded amino acid sequence of the CEP78 protein. It affects a nucleotide within the consensus splice site. In summary, the available evidence is currently insufficient to determine the role of this variant in disease. Therefore, it has been classified as a Variant of Uncertain Significance. Variants that disrupt the consensus splice site are a relatively common cause of aberrant splicing (PMID: 17576681, 9536098). Algorithms developed to predict the effect of sequence changes on RNA splicing suggest that this variant may disrupt the consensus splice site. ClinVar contains an entry for this variant (Variation ID: 849048). This variant has not been reported in the literature in individuals affected with CEP78-related conditions. This variant is not present in population databases (gnomAD no frequency).

Literature cited by the submitters: PubMed 17576681; PubMed 9536098.